The following is an entry in ClinVar:

ClinVar aggregate classification (germline): Uncertain significance (1 of 4 stars; one submission).

Conditions:
Cardiovascular phenotype. Identifiers: MedGen CN230736.

Allele frequency attached by ClinVar (database versions not stated): gnomAD exomes below 0.00001.
gnomAD v4.1: 1 of 1,586,618 alleles (0.000063%); highest among the groups gnomAD compares: Non-Finnish European, 0.000087%; no homozygotes.

Submission:

Ambry Genetics
Classification: Uncertain significance for Cardiovascular phenotype. Last evaluated: 2021-04-08. Review status: criteria provided, single submitter. Criteria: Ambry Variant Classification Scheme 2023. Collection method: clinical testing. Allele origin: germline.
Comment: The c.320-5T>C intronic variant results from a T to C substitution 5 nucleotides upstream from coding exon 3 in the CASQ2 gene. This nucleotide position is well conserved in available vertebrate species. In silico splice site analysis predicts that this alteration will not have any significant effect on splicing. Since supporting evidence is limited at this time, the clinical significance of this alteration remains unclear.

NM_001232.4(CASQ2):c.320-5T>C

Gene: CASQ2 (calsequestrin 2; minus strand). Cytogenetic location: 1p13.1.
Variant type: single nucleotide variant.
Coding change: c.320-5T>C on transcript NM_001232.4 (MANE Select); 5 bases into the intron before coding-DNA position 320, T replaced by C.
Molecular consequence: intron variant.
Genome position (GRCh38, 1-based): chr1:115,740,833, A>G on the plus strand (T>C on the coding strand, the complement: CASQ2 is on the minus strand). VCF-style: chr1-115740833-A-G. GRCh37 (hg19) VCF-style: chr1-116283454-A-G.
Identifiers: ClinVar variation 1728862 (VCV001728862.2), dbSNP rs2526018770, ClinGen allele CA2580060846.